The following is an entry in ClinVar:

ClinVar aggregate classification (germline): Uncertain significance (1 of 4 stars; one submission).

Allele frequency attached by ClinVar (database versions not stated): gnomAD exomes 0.00001.
gnomAD v4.1: 5 of 1,614,152 alleles (0.00031%); highest among the groups gnomAD compares: Non-Finnish European, 0.00042%; no homozygotes.

Submission:

GeneDx
Classification: Uncertain significance. Last evaluated: 2022-02-23. Review status: criteria provided, single submitter. Criteria: GeneDx Variant Classification Process June 2021. Collection method: clinical testing. Allele origin: germline. Affected: yes.
Comment: Not observed at significant frequency in large population cohorts (gnomAD); Has not been previously published as pathogenic or benign to our knowledge; In silico analysis, which includes splice predictors and evolutionary conservation, suggests this variant may impact gene splicing. In the absence of RNA/functional studies, the actual effect of this sequence change is unknown.

NM_001130438.3(SPTAN1):c.2193+3A>G

Gene: SPTAN1 (spectrin alpha, non-erythrocytic 1; plus strand). Cytogenetic location: 9q34.11.
Variant type: single nucleotide variant.
Coding change: c.2193+3A>G on transcript NM_001130438.3 (MANE Select); 3 bases into the intron after coding-DNA position 2193, A replaced by G.
Molecular consequence: intron variant.
Genome position (GRCh38, 1-based): chr9:128,583,972, A>G. VCF-style: chr9-128583972-A-G. GRCh37 (hg19) VCF-style: chr9-131346251-A-G.
Other names: c.2229+3A>G (NM_001375318.1, NM_001375312.2); c.2193+3A>G (NM_001375311.2, NM_001375314.2, NM_001375310.1 and 5 more transcripts).
Identifiers: ClinVar variation 1703266 (VCV001703266.2), dbSNP rs2541187379, ClinGen allele CA2580079708.